The following is an entry in ClinVar:

ClinVar aggregate classification (germline): Uncertain significance (1 of 4 stars; one submission).

Conditions:
Hereditary cancer-predisposing syndrome. Also called: Neoplastic Syndromes, Hereditary; Tumor predisposition; Hereditary Cancer Syndrome; Hereditary neoplastic syndrome. Identifiers: Orphanet 140162, MedGen C0027672, MeSH D009386, MONDO:0015356.

Submission:

Ambry Genetics
Classification: Uncertain significance for Hereditary cancer-predisposing syndrome. Last evaluated: 2017-01-03. Review status: criteria provided, single submitter. Criteria: Ambry Variant Classification Scheme 2023. Collection method: clinical testing. Allele origin: germline.
Comment: The c.1047_1048delGGinsAA variant(also known as p.E350K), located in coding exon 9 of the MRE11A gene, results from an in-frame deletion of GG and insertion of AA at nucleotide positions 1047 to 1048. This results in the substitution of the glutamic acid residue for a lysine residue at codon 350, an amino acid with similar properties. This amino acid position is highly conserved in available vertebrate species. Since supporting evidence is limited at this time, the clinical significance of this alteration remains unclear.

NM_005591.4(MRE11):c.1047_1048delinsAA (p.Glu350Lys)

Gene: MRE11 (MRE11 double strand break repair nuclease; minus strand). Cytogenetic location: 11q21.
Variant type: Indel.
Coding change: c.1047_1048delinsAA on transcript NM_005591.4 (MANE Select); coding-DNA positions 1047 to 1048, GG replaced by AA.
Protein change: p.Glu350Lys; replaces glutamic acid 350 with lysine.
Molecular consequence: missense variant.
Genome position (GRCh38, 1-based): chr11:94,467,863-94,467,864, CC replaced by TT on the plus strand (GG replaced by AA on the coding strand, the reverse complement: MRE11 is on the minus strand). VCF-style: chr11-94467863-CC-TT. GRCh37 (hg19) VCF-style: chr11-94201029-CC-TT.
Other names: c.1047_1048delinsAA, p.Glu350Lys (NM_001330347.2, NM_005590.4); c.1047_1048delGGinsAA (NM_005591.3); short protein forms E350K.
Identifiers: ClinVar variation 483638 (VCV000483638.5), dbSNP rs1555012056, ClinGen allele CA658658083.